The following is an entry in ClinVar:

NM_000059.4(BRCA2):c.5154_5158del (p.Asn1719fs)

Gene: BRCA2 (BRCA2 DNA repair associated; plus strand). Cytogenetic location: 13q13.1.
Variant type: Deletion.
Coding change: c.5154_5158del on transcript NM_000059.4 (MANE Select); coding-DNA positions 5154 to 5158, 5 bases deleted (TAATT; older notation c.5154_5158delTAATT).
Protein change: p.Asn1719fs; shifts the reading frame from asparagine 1719.
Molecular consequence: frameshift variant.
Genome position (GRCh38, 1-based): chr13:32,339,509-32,339,513, TAATT deleted. VCF-style (leftmost placement, unchanged base first): chr13-32339508-ATAATT-A. GRCh37 (hg19) VCF-style: chr13-32913645-ATAATT-A.
Other names: 5382del5; short protein forms N1719fs.
Identifiers: ClinVar variation 266853 (VCV000266853.8), dbSNP rs886040570, ClinGen allele CA10589291.
Genomic context (GRCh38, chr13:32,339,508, plus strand): 5'-TTGATGGTCAACCAGAAAGAATAAATACTGCAGATTATGTAGGAAATTATTTGTATGAAA[ATAATT>A]CAAACAGTACTATAGCTGAAAATGACAAAAATCATCTCTCCGAAAAACAAGATACTTATT-3'

ClinVar aggregate classification (germline): Pathogenic. Review status: reviewed by expert panel (3 of 4 stars). 3 submissions from 3 submitters: Pathogenic (1). 2 of the submissions do not count toward it. Last evaluated 2016-10-18.

Conditions:
Breast-ovarian cancer, familial, susceptibility to, 2 (BROVCA2). Also called: BRCA2 Hereditary Breast and Ovarian Cancer. Identifiers: Orphanet 145, MedGen C2675520, MONDO:0012933, OMIM 612555. Disease mechanism: loss of function.
Familial cancer of breast. Also called: hereditary breast carcinoma; BREAST CANCER, FAMILIAL; Hereditary breast cancer. Identifiers: Orphanet 227535, MedGen C0346153, MONDO:0016419, OMIM 114480. Disease mechanism: loss of function.

Submissions (3):

Evidence-based Network for the Interpretation of Germline Mutant Alleles (ENIGMA)
Classification: Pathogenic for Breast-ovarian cancer, familial, susceptibility to, 2. Last evaluated: 2016-10-18. Review status: reviewed by expert panel. Criteria: ENIGMA BRCA1/2 Classification Criteria (2015). Collection method: curation. Allele origin: germline.
Comment: Variant allele predicted to encode a truncated non-functional protein.

Baylor Genetics
Classification: Pathogenic for Familial cancer of breast. Last evaluated: 2021-07-29. Review status: criteria provided, single submitter. Criteria: ACMG Guidelines, 2015. Collection method: clinical testing. Allele origin: unknown. Not counted in ClinVar's aggregate classification.

Consortium of Investigators of Modifiers of BRCA1/2 (CIMBA), c/o University of Cambridge
Classification: Pathogenic for Breast-ovarian cancer, familial, susceptibility to, 2. Last evaluated: 2015-10-02. Review status: criteria provided, single submitter. Criteria: CIMBA Mutation Classification guidelines May 2016. Collection method: clinical testing. Allele origin: germline. Not counted in ClinVar's aggregate classification.